The following is an entry in ClinVar:

NM_004972.4(JAK2):c.1174G>A (p.Val392Met)

Genes: INSL6 (insulin like 6; minus strand), JAK2 (Janus kinase 2; plus strand). Cytogenetic location: 9p24.1.
Variant type: single nucleotide variant.
Coding change: c.1174G>A on transcript NM_004972.4 (MANE Select); coding-DNA position 1174, G replaced by A.
Protein change: p.Val392Met; replaces valine 392 with methionine.
Molecular consequence: missense variant. On other transcripts: 5 prime UTR variant (2), non-coding transcript variant (2).
Genome position (GRCh38, 1-based): chr9:5,065,000, G>A. VCF-style: chr9-5065000-G-A. GRCh37 (hg19) VCF-style: chr9-5065000-G-A.
Other names: c.1174G>A, p.Val392Met (NM_001322194.2, NM_001322195.2, NM_001322196.2); c.-42G>A (NM_001322198.2, NM_001322199.2); c.727G>A, p.Val243Met (NM_001322204.2); short protein forms V392M, V243M.
Identifiers: ClinVar variation 134564 (VCV000134564.12), dbSNP rs200018153, ClinGen allele CA160198.

ClinVar aggregate classification (germline): Likely benign. Review status: criteria provided, multiple submitters, no conflicts (2 of 4 stars). 4 submissions from 4 submitters: Likely benign (3). 1 of the submissions does not count toward it. Last evaluated 2025-12-09.

Allele frequency attached by ClinVar (database versions not stated): gnomAD 0.00024 and 0.00037; TOPMed 0.00030; ExAC 0.00052; gnomAD exomes 0.00064; 1000 Genomes Project 30x 0.00219; 1000 Genomes Project 0.00240.
gnomAD v4.1: 308 of 1,607,174 alleles (0.019%); highest among the groups gnomAD compares: East Asian, 0.45%; 1 homozygote.

Submissions (4):

Labcorp Genetics (formerly Invitae), Labcorp
Classification: Likely benign. Last evaluated: 2025-12-09. Review status: criteria provided, single submitter. Criteria: Invitae Variant Classification Sherloc (09022015). Collection method: clinical testing. Allele origin: germline.

Blueprint Genetics
Classification: Likely benign. Last evaluated: 2024-09-10. Review status: criteria provided, single submitter. Criteria: ACMG Guidelines, 2015. Collection method: clinical testing. Allele origin: germline.

ARUP Laboratories, Molecular Genetics and Genomics, ARUP Laboratories
Classification: Likely benign. Last evaluated: 2024-08-16. Review status: criteria provided, single submitter. Criteria: ARUP Molecular Germline Variant Investigation Process 2024. Collection method: clinical testing. Allele origin: germline.

ITMI
No classification provided. Condition: AllHighlyPenetrant. Last evaluated: 2013-09-19. Review status: no classification provided. Collection method: reference population. Allele origin: germline. Not counted in ClinVar's aggregate classification.
Comment: Please see associated publication for description of ethnicities

Literature cited by the submitters: PubMed 24728327 (cited by ITMI).